The following is an entry in ClinVar:

ClinVar aggregate classification (germline): Uncertain significance (1 of 4 stars; one submission).

Conditions:
GNE myopathy (NM). Also called: INCLUSION BODY MYOPATHY, HEREDITARY, AUTOSOMAL RECESSIVE; INCLUSION BODY MYOPATHY 2, AUTOSOMAL RECESSIVE; MYOPATHY, DISTAL, WITH OR WITHOUT RIMMED VACUOLES; IBM 2; Inclusion body myopathy autosomal recessive; Inclusion body myopathy quadriceps sparing. Identifiers: Orphanet 602, MedGen C1853926, MONDO:0011603, OMIM 605820.
Sialuria. Also called: SIALURIA, FRENCH TYPE; Sialic Acid Storage Disease. Identifiers: Orphanet 3166, MedGen C0342853, MONDO:0010028, OMIM 269921.

Allele frequency attached by ClinVar (database versions not stated): gnomAD exomes below 0.00001.
gnomAD v4.1: 1 of 1,609,716 alleles (0.000062%); highest among the groups gnomAD compares: Admixed American, 0.0017%; no homozygotes.

Submission:

Labcorp Genetics (formerly Invitae), Labcorp
Classification: Uncertain significance for Sialuria; GNE myopathy. Last evaluated: 2022-07-23. Review status: criteria provided, single submitter. Criteria: Invitae Variant Classification Sherloc (09022015). Collection method: clinical testing. Allele origin: germline.
Comment: This variant is present in population databases (no rsID available, gnomAD 0.003%). In summary, the available evidence is currently insufficient to determine the role of this variant in disease. Therefore, it has been classified as a Variant of Uncertain Significance. This variant disrupts the p.Asp239 amino acid residue in GNE. Other variant(s) that disrupt this residue have been determined to be pathogenic (PMID: 23549799, 30467490). This suggests that this residue is clinically significant, and that variants that disrupt this residue are likely to be disease-causing. Advanced modeling of protein sequence and biophysical properties (such as structural, functional, and spatial information, amino acid conservation, physicochemical variation, residue mobility, and thermodynamic stability) performed at Invitae indicates that this missense variant is not expected to disrupt GNE protein function. This variant has not been reported in the literature in individuals affected with GNE-related conditions. This sequence change replaces aspartic acid, which is acidic and polar, with alanine, which is neutral and non-polar, at codon 239 of the GNE protein (p.Asp239Ala).

Literature cited by the submitters: PubMed 23549799; PubMed 30467490.

NM_005476.7(GNE):c.623A>C (p.Asp208Ala)

Gene: GNE (glucosamine (UDP-N-acetyl)-2-epimerase/N-acetylmannosamine kinase; minus strand). Cytogenetic location: 9p13.3.
Variant type: single nucleotide variant.
Coding change: c.623A>C on transcript NM_005476.7 (MANE Select); coding-DNA position 623, A replaced by C.
Protein change: p.Asp208Ala; replaces aspartic acid 208 with alanine.
Molecular consequence: missense variant. On other transcripts: intron variant (2).
Genome position (GRCh38, 1-based): chr9:36,236,978, T>G on the plus strand (A>C on the coding strand, the complement: GNE is on the minus strand). VCF-style: chr9-36236978-T-G. GRCh37 (hg19) VCF-style: chr9-36236975-T-G.
Other names: c.623A>C, p.Asp208Ala (NM_001190383.3); c.446A>C, p.Asp149Ala (NM_001190388.2, NM_001374798.1); c.440-2846A>C (NM_001190384.3); c.617-2846A>C (NM_001374797.1); c.716A>C, p.Asp239Ala (NM_001128227.3); short protein forms D149A, D208A, D239A.
Identifiers: ClinVar variation 2019033 (VCV002019033.4), dbSNP rs1239186160, ClinGen allele CA373415585.